The following is an entry in ClinVar:

ClinVar aggregate classification (germline): Likely benign. Review status: criteria provided, multiple submitters, no conflicts (2 of 4 stars). 3 submissions from 3 submitters: Likely benign (3). Last evaluated 2026-09-17.

Conditions:
MYPN-related disorder. Also called: MYPN-related condition.
Cardiovascular phenotype. Identifiers: MedGen CN230736.
Dilated cardiomyopathy 1KK (CMD1KK). Identifiers: Orphanet 154, Orphanet 75249, MedGen C3714995, MONDO:0014100, OMIM 615248.

Allele frequency attached by ClinVar (database versions not stated): gnomAD 0.00001; ExAC 0.00002; gnomAD exomes 0.00002; TOPMed 0.00003.
gnomAD v4.1: 25 of 1,613,964 alleles (0.0015%); highest among the groups gnomAD compares: Admixed American, 0.0067%; no homozygotes.

Submissions (3):

PreventionGenetics, part of Exact Sciences
Classification: Likely benign for MYPN-related condition. Last evaluated: 2026-09-17. Review status: criteria provided, single submitter. Criteria: ACMG Guidelines, 2015. Collection method: clinical testing. Allele origin: germline.
Comment: This variant is classified as likely benign based on ACMG/AMP sequence variant interpretation guidelines (Richards et al. 2015 PMID: 25741868, with internal and published modifications).

Labcorp Genetics (formerly Invitae), Labcorp
Classification: Likely benign for Dilated cardiomyopathy 1KK. Last evaluated: 2025-12-26. Review status: criteria provided, single submitter. Criteria: Invitae Variant Classification Sherloc (09022015). Collection method: clinical testing. Allele origin: germline.

Ambry Genetics
Classification: Likely benign for Cardiovascular phenotype. Last evaluated: 2023-04-18. Review status: criteria provided, single submitter. Criteria: Ambry Variant Classification Scheme 2023. Collection method: clinical testing. Allele origin: germline.

NM_032578.4(MYPN):c.2643C>T (p.Asn881=)

Gene: MYPN (myopalladin; plus strand). Cytogenetic location: 10q21.3.
Variant type: single nucleotide variant.
Coding change: c.2643C>T on transcript NM_032578.4 (MANE Select); coding-DNA position 2643, C replaced by T.
Protein change: p.Asn881=; no amino-acid change (asparagine 881 retained).
Molecular consequence: synonymous variant. On other transcripts: non-coding transcript variant (1).
Genome position (GRCh38, 1-based): chr10:68,175,401, C>T. VCF-style: chr10-68175401-C-T. GRCh37 (hg19) VCF-style: chr10-69935158-C-T.
Other names: c.2643C>T, p.Asn881= (NM_001256267.2); c.1761C>T, p.Asn587= (NM_001256268.2); c.2643C>T (NM_032578.3, NM_032578.2).
Identifiers: ClinVar variation 1085787 (VCV001085787.11), dbSNP rs777342412, ClinGen allele CA5522837.
Genomic context (GRCh38, chr10:68,175,401, plus strand): 5'-GAAGAAAAATACAAAGTCTCCTCAACCAGTGAATGATGATAACATTCGTGAAACTAAGAA[C>T]GCAGTGATTCGAGACTTGGGGAAAAAAATAACTTTCAGTGATGTCAGACCAAACCAGCAG-3'
Protein context (NP_115967.2, residues 871-891): VNDDNIRETK[Asn881=]AVIRDLGKKI